The following is an entry in ClinVar:

NM_016943.2(TAS2R3):c.795T>C (p.Ala265=)

Gene: TAS2R3 (taste 2 receptor member 3; plus strand). Cytogenetic location: 7q34.
Variant type: single nucleotide variant.
Coding change: c.795T>C on transcript NM_016943.2 (MANE Select); coding-DNA position 795, T replaced by C.
Protein change: p.Ala265=; no amino-acid change (alanine 265 retained).
Molecular consequence: synonymous variant.
Genome position (GRCh38, 1-based): chr7:141,764,953, T>C. VCF-style: chr7-141764953-T-C. GRCh37 (hg19) VCF-style: chr7-141464753-T-C.
Identifiers: ClinVar variation 4280985 (VCV004280985.7).

ClinVar aggregate classification (germline): Likely benign (1 of 4 stars; one submission).

Submission:

CeGaT Center for Human Genetics Tuebingen
Classification: Likely benign. Last evaluated: 2025-09-01. Review status: criteria provided, single submitter. Criteria: CeGaT Center For Human Genetics Tuebingen Variant Classification Criteria Version 2. Collection method: clinical testing. Allele origin: germline. Affected: yes. Observed: 1 variant allele.
Comment: TAS2R3: BP4, BP7